The following is an entry in ClinVar:

ClinVar aggregate classification (germline): Likely benign. Review status: criteria provided, multiple submitters, no conflicts (2 of 4 stars). 2 submissions from 2 submitters: Likely benign (2). Last evaluated 2026-01-05.

Conditions:
Skeletal overgrowth-craniofacial dysmorphism-hyperelastic skin-white matter lesions syndrome. Also called: SKELETAL OVERGROWTH WITH FACIAL DYSMORPHISM, HYPERELASTIC SKIN, WHITE MATTER LESIONS, AND NEUROLOGIC DETERIORATION; Kosaki overgrowth syndrome. Identifiers: Orphanet 477831, MedGen C4225270, MONDO:0014704, OMIM 616592.
Acroosteolysis-keloid-like lesions-premature aging syndrome. Also called: Premature aging syndrome, Penttinen type; Prematurely aged appearance, delayed bone maturation, acro-osteolysis, and brachydactyly; Progeroid syndrome, Penttinen type. Identifiers: Orphanet 363665, MedGen C1866182, MONDO:0011150, OMIM 601812.
Infantile myofibromatosis (IMF). Also called: Congenital generalized fibromatosis. Identifiers: Orphanet 2591, MedGen C0432284, MONDO:0016824.
Basal ganglia calcification, idiopathic, 4 (PFBC4). Also called: PRIMARY FAMILIAL BRAIN CALCIFICATION 4, AUTOSOMAL DOMINANT; Familial Idiopathic Basal Ganglia Calcification 4. Identifiers: Orphanet 1980, MedGen C3554321, MONDO:0014004, OMIM 615007.

Allele frequency attached by ClinVar (database versions not stated): gnomAD 0.00002; gnomAD exomes 0.00007 and 0.00004; ESP Exome Variant Server 0.00008; TOPMed 0.00008; ExAC 0.00009.
gnomAD v4.1: 63 of 1,609,880 alleles (0.0039%); highest among the groups gnomAD compares: Middle Eastern, 0.039%; no homozygotes.

Submissions (2):

Labcorp Genetics (formerly Invitae), Labcorp
Classification: Likely benign for Basal ganglia calcification, idiopathic, 4; Skeletal overgrowth-craniofacial dysmorphism-hyperelastic skin-white matter lesions syndrome; Infantile myofibromatosis; Acroosteolysis-keloid-like lesions-premature aging syndrome. Last evaluated: 2026-01-05. Review status: criteria provided, single submitter. Criteria: Invitae Variant Classification Sherloc (09022015). Collection method: clinical testing. Allele origin: germline.

CeGaT Center for Human Genetics Tuebingen
Classification: Likely benign. Last evaluated: 2022-09-01. Review status: criteria provided, single submitter. Criteria: CeGaT Center For Human Genetics Tuebingen Variant Classification Criteria Version 2. Collection method: clinical testing. Allele origin: germline. Affected: yes. Observed: 1 variant allele.
Comment: PDGFRB: BP4, BP7

NM_002609.4(PDGFRB):c.3297G>A (p.Ala1099=)

Gene: PDGFRB (platelet derived growth factor receptor beta; minus strand). Cytogenetic location: 5q32.
Variant type: single nucleotide variant.
Coding change: c.3297G>A on transcript NM_002609.4 (MANE Select); coding-DNA position 3297, G replaced by A.
Protein change: p.Ala1099=; no amino-acid change (alanine 1099 retained).
Molecular consequence: synonymous variant.
Genome position (GRCh38, 1-based): chr5:150,115,787, C>T on the plus strand (G>A on the coding strand, the complement: PDGFRB is on the minus strand). VCF-style: chr5-150115787-C-T. GRCh37 (hg19) VCF-style: chr5-149495350-C-T.
Other names: c.3105G>A, p.Ala1035= (NM_001355016.2); c.2814G>A, p.Ala938= (NM_001355017.2).
Identifiers: ClinVar variation 748062 (VCV000748062.31), dbSNP rs376978985, ClinGen allele CA3507353.